The following is an entry in ClinVar:

ClinVar aggregate classification (germline): Likely pathogenic (1 of 4 stars; one submission).

Conditions:
Ellis-van Creveld syndrome (EVC). Also called: Chondroectodermal dysplasia; MESOECTODERMAL DYSPLASIA. Identifiers: Orphanet 289, MedGen C0013903, MONDO:0009162, OMIM 225500.

gnomAD v4.1: 1 of 1,611,578 alleles (0.000062%); highest among the groups gnomAD compares: East Asian, 0.0022%; no homozygotes.

Submission:

Myriad Genetics, Inc.
Classification: Likely pathogenic for Ellis-van Creveld syndrome. Last evaluated: 2026-06-11. Review status: criteria provided, single submitter. Criteria: Myriad Autosomal Dominant, Autosomal Recessive and X-Linked Classification Criteria (2023). Collection method: clinical testing. Allele origin: unknown.
Comment: NM_153717.2(EVC):c.1887-1G>C is a variant in a canonical splice site classified as likely pathogenic in the context of EVC-related Ellis-van Creveld syndrome. c.1887-1G>C has not been observed in cases with relevant disease. Relevant functional assessments of this variant are not available in the literature. c.1887-1G>C has not been observed in referenced population frequency databases. In summary, NM_153717.2(EVC):c.1887-1G>C is a variant in a canonical splice site in a gene where loss of function is a known mechanism of disease and is predicted to disrupt protein function. Please note: this variant was assessed in the context of healthy population screening.

NM_153717.3(EVC):c.1887-1G>C

Gene: EVC (EvC ciliary complex subunit 1; plus strand). Cytogenetic location: 4p16.2.
Variant type: single nucleotide variant.
Coding change: c.1887-1G>C on transcript NM_153717.3 (MANE Select); the canonical splice acceptor site of the intron before coding-DNA position 1887, G replaced by C.
Molecular consequence: splice acceptor variant.
Genome position (GRCh38, 1-based): chr4:5,797,021, G>C. VCF-style: chr4-5797021-G-C. GRCh37 (hg19) VCF-style: chr4-5798748-G-C.
Other names: c.1887-1G>C (NM_001306090.2).
Identifiers: ClinVar variation 5003819 (VCV005003819.1).